The following is an entry in ClinVar:

ClinVar aggregate classification (germline): Uncertain significance (1 of 4 stars; one submission).

Submission:

GeneDx
Classification: Uncertain significance. Last evaluated: 2019-05-30. Review status: criteria provided, single submitter. Criteria: GeneDx Variant Classification Process June 2021. Collection method: clinical testing. Allele origin: germline. Affected: yes.
Comment: Not observed in large population cohorts (Lek et al., 2016); In silico analysis, which includes protein predictors and evolutionary conservation, supports that this variant does not alter protein structure/function; Has not been previously published as pathogenic or benign to our knowledge

NM_001282534.2(KCNK9):c.929G>C (p.Arg310Pro)

Gene: KCNK9 (potassium two pore domain channel subfamily K member 9; minus strand). Cytogenetic location: 8q24.3.
Variant type: single nucleotide variant.
Coding change: c.929G>C on transcript NM_001282534.2 (MANE Select); coding-DNA position 929, G replaced by C.
Protein change: p.Arg310Pro; replaces arginine 310 with proline.
Molecular consequence: missense variant. On other transcripts: non-coding transcript variant (1).
Genome position (GRCh38, 1-based): chr8:139,618,454, C>G on the plus strand (G>C on the coding strand, the complement: KCNK9 is on the minus strand). VCF-style: chr8-139618454-C-G. GRCh37 (hg19) VCF-style: chr8-140630697-C-G.
Other names: short protein forms R310P.
Identifiers: ClinVar variation 1305869 (VCV001305869.2), dbSNP rs756601239, ClinGen allele CA372733545.